The following is an entry in ClinVar:

NM_002734.5(PRKAR1A):c.-15C>A

Gene: PRKAR1A (protein kinase cAMP-dependent type I regulatory subunit alpha; plus strand). Cytogenetic location: 17q24.2.
Variant type: single nucleotide variant.
Coding change: c.-15C>A on transcript NM_002734.5 (MANE Select); 15 bases upstream of the start codon, C replaced by A.
Molecular consequence: 5 prime UTR variant. On other transcripts: intron variant (3).
Genome position (GRCh38, 1-based): chr17:68,512,540, C>A. VCF-style: chr17-68512540-C-A. GRCh37 (hg19) VCF-style: chr17-66508681-C-A.
Other names: c.-148C>A (NM_001276289.2); c.-46C>A (NM_212472.2); c.-6-2854C>A (NM_001278433.2); c.-140+398C>A (NM_001369389.1); c.-7+398C>A (NM_212471.3).
Identifiers: ClinVar variation 849446 (VCV000849446.7), dbSNP rs1231074508, ClinGen allele CA774454298.

ClinVar aggregate classification (germline): Uncertain significance (1 of 4 stars; one submission).

Conditions:
Carney complex, type 1 (CNC1). Also called: CARNEY COMPLEX, TYPE I; CARNEY MYXOMA-ENDOCRINE COMPLEX. Identifiers: Orphanet 1359, MedGen C2607929, MONDO:0008057, OMIM 160980.

Allele frequency attached by ClinVar (database versions not stated): TOPMed below 0.00001; gnomAD 0.00001.

Submission:

Labcorp Genetics (formerly Invitae), Labcorp
Classification: Uncertain significance for Carney complex, type 1. Last evaluated: 2024-10-02. Review status: criteria provided, single submitter. Criteria: Invitae Variant Classification Sherloc (09022015). Collection method: clinical testing. Allele origin: germline.
Comment: This variant occurs in a non-coding region of the PRKAR1A gene. It does not change the encoded amino acid sequence of the PRKAR1A protein. This variant is not present in population databases (gnomAD no frequency). This variant has not been reported in the literature in individuals affected with PRKAR1A-related conditions. ClinVar contains an entry for this variant (Variation ID: 849446). Experimental studies and prediction algorithms are not available or were not evaluated, and the functional significance of this variant is currently unknown. In summary, the available evidence is currently insufficient to determine the role of this variant in disease. Therefore, it has been classified as a Variant of Uncertain Significance.